The following is an entry in ClinVar:

ClinVar aggregate classification (germline): Uncertain significance. Review status: criteria provided, multiple submitters, no conflicts (2 of 4 stars). 5 submissions from 5 submitters: Uncertain significance (5). Last evaluated 2026-08-12.

Conditions:
MYO15A-related disorder. Also called: MYO15A-related condition.
Inborn genetic diseases. Identifiers: MedGen C0950123, MeSH D030342.
Autosomal recessive nonsyndromic hearing loss 3. Also called: NEUROSENSORY NONSYNDROMIC RECESSIVE DEAFNESS 3. Identifiers: Orphanet 90636, MedGen C1838263, MONDO:0010860, OMIM 600316.

Allele frequency attached by ClinVar (database versions not stated): TOPMed 0.00002; 1000 Genomes Project 30x 0.00062.
gnomAD v4.1: 26 of 1,613,080 alleles (0.0016%); highest among the groups gnomAD compares: Admixed American, 0.022%; no homozygotes.

Submissions (5):

GeneDx
Classification: Uncertain significance. Last evaluated: 2026-08-12. Review status: criteria provided, single submitter. Criteria: GeneDx Variant Classification Process June 2021. Collection method: clinical testing. Allele origin: germline.
Comment: Not observed at significant frequency in large population cohorts (gnomAD); In silico analysis suggests that this missense variant does not alter protein structure/function; Has not been previously published as pathogenic or benign to our knowledge

PreventionGenetics, part of Exact Sciences
Classification: Uncertain significance for MYO15A-related condition. Last evaluated: 2026-08-10. Review status: criteria provided, single submitter. Criteria: ACMG Guidelines, 2015. Collection method: clinical testing. Allele origin: germline.
Comment: The MYO15A c.3358C>T variant is predicted to result in the amino acid substitution p.Arg1120Cys. To our knowledge, this variant has not been reported in the literature. This variant is reported in 0.0058% of alleles in individuals of Latino descent in gnomAD. At this time, the clinical significance of this variant is uncertain due to the absence of conclusive functional and genetic evidence.

Ambry Genetics
Classification: Uncertain significance for Inborn genetic diseases. Last evaluated: 2023-12-15. Review status: criteria provided, single submitter. Criteria: Ambry Variant Classification Scheme 2023. Collection method: clinical testing. Allele origin: germline.

Labcorp Genetics (formerly Invitae), Labcorp
Classification: Uncertain significance. Last evaluated: 2022-09-19. Review status: criteria provided, single submitter. Criteria: Invitae Variant Classification Sherloc (09022015). Collection method: clinical testing. Allele origin: germline.
Comment: This sequence change replaces arginine, which is basic and polar, with cysteine, which is neutral and slightly polar, at codon 1120 of the MYO15A protein (p.Arg1120Cys). This variant is present in population databases (rs375451997, gnomAD 0.006%). This variant has not been reported in the literature in individuals affected with MYO15A-related conditions. ClinVar contains an entry for this variant (Variation ID: 618744). Advanced modeling of protein sequence and biophysical properties (such as structural, functional, and spatial information, amino acid conservation, physicochemical variation, residue mobility, and thermodynamic stability) performed at Invitae indicates that this missense variant is not expected to disrupt MYO15A protein function. In summary, the available evidence is currently insufficient to determine the role of this variant in disease. Therefore, it has been classified as a Variant of Uncertain Significance.

ARUP Laboratories, Molecular Genetics and Genomics, ARUP Laboratories
Classification: Uncertain significance for Autosomal recessive nonsyndromic hearing loss 3. Last evaluated: 2018-08-29. Review status: criteria provided, single submitter. Criteria: ARUP Molecular Germline Variant Investigation Process. Collection method: clinical testing. Allele origin: germline.

NM_016239.4(MYO15A):c.3358C>T (p.Arg1120Cys)

Gene: MYO15A (myosin XVA; plus strand). Cytogenetic location: 17p11.2.
Variant type: single nucleotide variant.
Coding change: c.3358C>T on transcript NM_016239.4 (MANE Select); coding-DNA position 3358, C replaced by T.
Protein change: p.Arg1120Cys; replaces arginine 1120 with cysteine.
Molecular consequence: missense variant.
Genome position (GRCh38, 1-based): chr17:18,122,158, C>T. VCF-style: chr17-18122158-C-T. GRCh37 (hg19) VCF-style: chr17-18025472-C-T.
Other names: short protein forms R1120C.
Identifiers: ClinVar variation 618744 (VCV000618744.20), dbSNP rs375451997, ClinGen allele CA8423444.